The following is an entry in ClinVar:

ClinVar aggregate classification (germline): Uncertain significance (1 of 4 stars; one submission).

Conditions:
Inborn genetic diseases. Identifiers: MedGen C0950123, MeSH D030342.

Submission:

Ambry Genetics
Classification: Uncertain significance for Inborn genetic diseases. Last evaluated: 2019-06-01. Review status: criteria provided, single submitter. Criteria: Ambry Variant Classification Scheme 2023. Collection method: clinical testing. Allele origin: germline.
Comment: The p.P772S variant (also known as c.2314C>T), located in coding exon 16 of the SPTAN1 gene, results from a C to T substitution at nucleotide position 2314. The proline at codon 772 is replaced by serine, an amino acid with similar properties. This amino acid position is highly conserved in available vertebrate species. In addition, the in silico prediction for this alteration is inconclusive. Since supporting evidence is limited at this time, the clinical significance of this alteration remains unclear.

NM_001130438.3(SPTAN1):c.2314C>T (p.Pro772Ser)

Gene: SPTAN1 (spectrin alpha, non-erythrocytic 1; plus strand). Cytogenetic location: 9q34.11.
Variant type: single nucleotide variant.
Coding change: c.2314C>T on transcript NM_001130438.3 (MANE Select); coding-DNA position 2314, C replaced by T.
Protein change: p.Pro772Ser; replaces proline 772 with serine.
Molecular consequence: missense variant.
Genome position (GRCh38, 1-based): chr9:128,584,402, C>T. VCF-style: chr9-128584402-C-T. GRCh37 (hg19) VCF-style: chr9-131346681-C-T.
Other names: c.2314C>T, p.Pro772Ser (NM_001195532.2, NM_001363759.2, NM_001363765.2 and 5 more transcripts); c.2350C>T, p.Pro784Ser (NM_001375312.2, NM_001375318.1); short protein forms P784S, P772S.
Identifiers: ClinVar variation 1789476 (VCV001789476.2), dbSNP rs2541200429, ClinGen allele CA375057361.
Genomic context (GRCh38, chr9:128,584,402, plus strand): 5'-GCAGAAAACATCAAGAAGAAACAGGAAGCCCTCGTGGCTCGCTATGAGGCACTCAAGGAG[C>T]CCATGGTTGCCCGGAAGCAGAAGCTGGCCGATTCTCTGCGGTTGCAGCAGCTCTTCCGGG-3'
Protein context (NP_001123910.1, residues 762-782): LVARYEALKE[Pro772Ser]MVARKQKLAD